The following is an entry in ClinVar:

NM_001029883.3(PCARE):c.40G>A (p.Val14Ile)

Gene: PCARE (photoreceptor cilium actin regulator; minus strand). Cytogenetic location: 2p23.2.
Variant type: single nucleotide variant.
Coding change: c.40G>A on transcript NM_001029883.3 (MANE Select); coding-DNA position 40, G replaced by A.
Protein change: p.Val14Ile; replaces valine 14 with isoleucine.
Molecular consequence: missense variant.
Genome position (GRCh38, 1-based): chr2:29,074,222, C>T on the plus strand (G>A on the coding strand, the complement: PCARE is on the minus strand). VCF-style: chr2-29074222-C-T. GRCh37 (hg19) VCF-style: chr2-29297088-C-T.
Other names: short protein forms V14I.
Identifiers: ClinVar variation 967542 (VCV000967542.7), dbSNP rs201588538, ClinGen allele CA1592734.

ClinVar aggregate classification (germline): Conflicting classifications of pathogenicity. Review status: criteria provided, conflicting classifications (1 of 4 stars). 3 submissions from 3 submitters: Uncertain significance (2); Likely benign (1). Last evaluated 2026-01-26.

Conditions:
PCARE-related disorder. Also called: PCARE-related condition.

Allele frequency attached by ClinVar (database versions not stated): gnomAD 0.00014 and 0.00013; ESP Exome Variant Server 0.00008; TOPMed 0.00012.
gnomAD v4.1: 104 of 1,582,084 alleles (0.0066%); highest among the groups gnomAD compares: African/African-American, 0.034%; no homozygotes.

Submissions (3):

PreventionGenetics, part of Exact Sciences
Classification: Uncertain significance for PCARE-related condition. Last evaluated: 2026-01-26. Review status: criteria provided, single submitter. Criteria: ACMG Guidelines, 2015. Collection method: clinical testing. Allele origin: germline.
Comment: The PCARE c.40G>A variant is predicted to result in the amino acid substitution p.Val14Ile. To our knowledge, this variant has not been reported in the literature. This variant is reported in 0.042% of alleles in individuals of African descent in gnomAD. At this time, the clinical significance of this variant is uncertain due to the absence of conclusive functional and genetic evidence.

Blueprint Genetics
Classification: Likely benign. Last evaluated: 2024-10-09. Review status: criteria provided, single submitter. Criteria: ACMG Guidelines, 2015. Collection method: clinical testing. Allele origin: germline.

Labcorp Genetics (formerly Invitae), Labcorp
Classification: Uncertain significance. Last evaluated: 2023-11-13. Review status: criteria provided, single submitter. Criteria: Invitae Variant Classification Sherloc (09022015). Collection method: clinical testing. Allele origin: germline.
Comment: This sequence change replaces valine, which is neutral and non-polar, with isoleucine, which is neutral and non-polar, at codon 14 of the PCARE protein (p.Val14Ile). This variant is present in population databases (rs201588538, gnomAD 0.04%). This variant has not been reported in the literature in individuals affected with PCARE-related conditions. ClinVar contains an entry for this variant (Variation ID: 967542). Algorithms developed to predict the effect of missense changes on protein structure and function output the following: SIFT: "Not Available"; PolyPhen-2: "Benign"; Align-GVGD: "Not Available". The isoleucine amino acid residue is found in multiple mammalian species, which suggests that this missense change does not adversely affect protein function. In summary, the available evidence is currently insufficient to determine the role of this variant in disease. Therefore, it has been classified as a Variant of Uncertain Significance.